The following is an entry in ClinVar:

ClinVar aggregate classification (germline): Conflicting classifications of pathogenicity. Review status: criteria provided, conflicting classifications (1 of 4 stars). 2 submissions from 2 submitters: Uncertain significance (1); Likely benign (1). Last evaluated 2026-01-06.

Conditions:
Cardiovascular phenotype. Identifiers: MedGen CN230736.
Hypertrophic cardiomyopathy. Also called: HYPERTROPHIC MYOCARDIOPATHY. Identifiers: Orphanet 217569, MedGen C0007194, MeSH D002312, MONDO:0005045, HP:0001639.

Allele frequency attached by ClinVar (database versions not stated): gnomAD 0.00001.
gnomAD v4.1: 8 of 1,580,928 alleles (0.00051%); highest among the groups gnomAD compares: Admixed American, 0.0017%; no homozygotes.

Submissions (2):

Labcorp Genetics (formerly Invitae), Labcorp
Classification: Uncertain significance for Hypertrophic cardiomyopathy. Last evaluated: 2026-01-06. Review status: criteria provided, single submitter. Criteria: Invitae Variant Classification Sherloc (09022015). Collection method: clinical testing. Allele origin: germline.
Comment: This sequence change replaces arginine, which is basic and polar, with glycine, which is neutral and non-polar, at codon 556 of the JPH2 protein (p.Arg556Gly). This variant is present in population databases (no rsID available, gnomAD 0.003%). This variant has not been reported in the literature in individuals affected with JPH2-related conditions. ClinVar contains an entry for this variant (Variation ID: 2058105). An algorithm developed to predict the effect of missense changes on protein structure and function (PolyPhen-2) suggests that this variant is likely to be tolerated. In summary, the available evidence is currently insufficient to determine the role of this variant in disease. Therefore, it has been classified as a Variant of Uncertain Significance.

Ambry Genetics
Classification: Likely benign for Cardiovascular phenotype. Last evaluated: 2024-03-29. Review status: criteria provided, single submitter. Criteria: Ambry Variant Classification Scheme 2023. Collection method: clinical testing. Allele origin: germline.

NM_020433.5(JPH2):c.1666C>G (p.Arg556Gly)

Gene: JPH2 (junctophilin 2; minus strand). Cytogenetic location: 20q13.12.
Variant type: single nucleotide variant.
Coding change: c.1666C>G on transcript NM_020433.5 (MANE Select); coding-DNA position 1666, C replaced by G.
Protein change: p.Arg556Gly; replaces arginine 556 with glycine.
Molecular consequence: missense variant.
Genome position (GRCh38, 1-based): chr20:44,116,009, G>C on the plus strand (C>G on the coding strand, the complement: JPH2 is on the minus strand). VCF-style: chr20-44116009-G-C. GRCh37 (hg19) VCF-style: chr20-42744649-G-C.
Other names: short protein forms R556G.
Identifiers: ClinVar variation 2058105 (VCV002058105.6), dbSNP rs1339089624, ClinGen allele CA409100176.
Genomic context (GRCh38, chr20:44,116,009, plus strand): 5'-GCGGCGTGGTGCGCACAGCATAGCTGTGGTAGCCCTGGTAAAGCGCCACCTCCGGCTCCC[G>C]CGACGGCGCAGGCGGTGCCTGCAGAGCCTCGATGGCCATGCGCTCGGTGGCTGGACGCGC-3'
Protein context (NP_065166.2, residues 546-566): EALQAPPAPS[Arg556Gly]EPEVALYQGY